The following is an entry in ClinVar:

NM_015443.4(KANSL1):c.3011del (p.Pro1004fs)

Gene: KANSL1 (KAT8 regulatory NSL complex subunit 1). Cytogenetic location: 17q21.31.
Variant type: Deletion.
Coding change: c.3011del on transcript NM_015443.4 (MANE Select); coding-DNA position 3011, one base deleted.
Protein change: p.Pro1004fs; shifts the reading frame from proline 1004.
Molecular consequence: frameshift variant.
Genome position: GRCh38 VCF-style: chr17-46032125-AG-A. GRCh37 (hg19) VCF-style: chr17-44109491-AG-A.
Other names: c.3008del, p.Pro1003fs (NM_001193465.2); c.3011del, p.Pro1004fs (NM_001193466.2, NM_001379198.1); short protein forms P1003fs, P1004fs.
Identifiers: ClinVar variation 1321278 (VCV001321278.1), dbSNP rs2146306274, ClinGen allele CA2573054461.

ClinVar aggregate classification (germline): Uncertain significance (1 of 4 stars; one submission).

Conditions:
Koolen-de Vries syndrome (KDVS). Identifiers: Orphanet 96169, MedGen C1864871, MONDO:0012496, OMIM 610443.

Submission:

3billion
Classification: Uncertain significance for Koolen-de Vries syndrome. Last evaluated: 2021-10-25. Review status: criteria provided, single submitter. Criteria: ACMG Guidelines, 2015. Collection method: clinical testing. Allele origin: unknown. Affected: yes. Observed: 1 heterozygote.
Comment: Frameshift: predicted to result in a loss or disruption of normal protein function through nonsense-mediated decay (NMD) or protein truncation. Multiple pathogenic variants are reported downstream of the variant (PVS1). It is not observed in the gnomAD v2.1.1 dataset (PM2). Therefore, this variant is classified as likley pathogenic according to the recommendation of ACMG/AMP guideline.